The following is an entry in ClinVar:

NM_001291303.3(FAT4):c.5222C>T (p.Pro1741Leu)

Gene: FAT4 (FAT atypical cadherin 4; plus strand). Cytogenetic location: 4q28.1.
Variant type: single nucleotide variant.
Coding change: c.5222C>T on transcript NM_001291303.3 (MANE Select); coding-DNA position 5222, C replaced by T.
Protein change: p.Pro1741Leu; replaces proline 1741 with leucine.
Molecular consequence: missense variant.
Genome position (GRCh38, 1-based): chr4:125,398,830, C>T. VCF-style: chr4-125398830-C-T. GRCh37 (hg19) VCF-style: chr4-126319985-C-T.
Other names: c.5222C>T, p.Pro1741Leu (NM_001291285.3, NM_024582.6); short protein forms P1741L.
Identifiers: ClinVar variation 3631818 (VCV003631818.2).

ClinVar aggregate classification (germline): Uncertain significance (1 of 4 stars; one submission).

gnomAD v4.1: 1 of 1,613,138 alleles (0.000062%); highest among the groups gnomAD compares: Non-Finnish European, 0.000085%; no homozygotes.

Submission:

Labcorp Genetics (formerly Invitae), Labcorp
Classification: Uncertain significance. Last evaluated: 2024-04-22. Review status: criteria provided, single submitter. Criteria: Invitae Variant Classification Sherloc (09022015). Collection method: clinical testing. Allele origin: germline.
Comment: This sequence change replaces proline, which is neutral and non-polar, with leucine, which is neutral and non-polar, at codon 1741 of the FAT4 protein (p.Pro1741Leu). This variant is not present in population databases (gnomAD no frequency). This variant has not been reported in the literature in individuals affected with FAT4-related conditions. Advanced modeling of protein sequence and biophysical properties (such as structural, functional, and spatial information, amino acid conservation, physicochemical variation, residue mobility, and thermodynamic stability) performed at Invitae indicates that this missense variant is not expected to disrupt FAT4 protein function with a negative predictive value of 80%. In summary, the available evidence is currently insufficient to determine the role of this variant in disease. Therefore, it has been classified as a Variant of Uncertain Significance.